The following is an entry in ClinVar:

ClinVar aggregate classification (germline): Uncertain significance (1 of 4 stars; one submission).

Conditions:
SMARCA4-related disorder. Also called: SMARCA4-related condition.

Submission:

PreventionGenetics, part of Exact Sciences
Classification: Uncertain significance for SMARCA4-related condition. Last evaluated: 2023-10-04. Review status: criteria provided, single submitter. Criteria: ACMG Guidelines, 2015. Collection method: clinical testing. Allele origin: germline.
Comment: The SMARCA4 c.3448T>C variant is predicted to result in the amino acid substitution p.Phe1150Leu. To our knowledge, this variant has not been reported in the literature or in a large population database, indicating this variant is rare. At this time, the clinical significance of this variant is uncertain due to the absence of conclusive functional and genetic evidence.

NM_003072.5(SMARCA4):c.3448T>C (p.Phe1150Leu)

Gene: SMARCA4 (SWI/SNF related BAF chromatin remodeling complex subunit ATPase 4; plus strand). Cytogenetic location: 19p13.2.
Variant type: single nucleotide variant.
Coding change: c.3448T>C on transcript NM_003072.5 (MANE Select); coding-DNA position 3448, T replaced by C.
Protein change: p.Phe1150Leu; replaces phenylalanine 1150 with leucine.
Molecular consequence: missense variant. On other transcripts: non-coding transcript variant (1).
Genome position (GRCh38, 1-based): chr19:11,030,795, T>C. VCF-style: chr19-11030795-T-C. GRCh37 (hg19) VCF-style: chr19-11141471-T-C.
Other names: c.3448T>C, p.Phe1150Leu (NM_001128844.3, NM_001128845.2, NM_001128846.2 and 6 more transcripts); short protein forms F1150L.
Identifiers: ClinVar variation 2633952 (VCV002633952.1), dbSNP rs2146599992, ClinGen allele CA404062859.